The following continues an entry in ClinVar:

NM_000257.4(MYH7):c.2207T>C (p.Ile736Thr)

Gene: MYH7. ClinVar aggregate classification (germline): Pathogenic. Pathogenic (1).

Submissions 9 to 17 of 17:

Victorian Clinical Genetics Services, Murdoch Childrens Research Institute
Classification: Pathogenic for Hypertrophic cardiomyopathy 1. Last evaluated: 2021-05-06. Review status: criteria provided, single submitter. Criteria: ACMG Guidelines, 2015. Collection method: clinical testing. Allele origin: germline. Inheritance: Autosomal dominant inheritance. Not counted in ClinVar's aggregate classification.
Comment: Based on the classification scheme VCGS_Germline_v1.3.4, this variant is classified as Pathogenic. Following criteria are met: 0105 - The mechanism of disease for this gene is not clearly established, however, missense variants have been proposed to act in a dominant negative manner (PMID: 24714796). (I) 0108 - This gene is associated with both recessive and dominant disease. Pathogenic variants in this gene are usually heterozygous, however a recessive inheritance pattern has been observed in severe cases (OMIM). (I) 0112 - The condition associated with this gene has incomplete penetrance (PMID: 29300372). (I) 0200 - Variant is predicted to result in a missense amino acid change from isoleucine to threonine. (I) 0251 - This variant is heterozygous. (I) 0301 - Variant is absent from gnomAD (both v2 and v3). (SP) 0309 - An alternative amino acid change at the same position has been observed in gnomAD (v3) (5 heterozygotes, 0 homozygotes). (I) 0502 - Missense variant with conflicting in silico predictions and uninformative conservation. (I) 0602 - Variant is located in a hotspot region or cluster of pathogenic variants. This variant is located within the myosin head domain, which is regarded as a missense variant hotspot (Decipher, PMID: 29300372). (SP) 0801 - This variant has strong previous evidence of pathogenicity in unrelated individuals with hypertrophic cardiomyopathy. This variant has been reported many times as pathogenic, including by an expert panel (ClinVar, cardiodb, PMID: 15856146). (SP) 1208 - Inheritance information for this variant is not currently available in this individual. (I) Legend: (SP) - Supporting pathogenic, (I) - Information, (SB) - Supporting benign

Human Genome Sequencing Center Clinical Lab, Baylor College of Medicine
Classification: Pathogenic for Hypertrophic cardiomyopathy 1. Last evaluated: 2020-03-19. Review status: criteria provided, single submitter. Criteria: ACMG Guidelines, 2015. Collection method: clinical testing. Allele origin: germline. Not counted in ClinVar's aggregate classification.
Comment: The c.2207T>C (p.Ile736Thr) variant of MYH7 gene results in an amino acid change at residue 736 from an isoleucine to a threonine. This variant has been reported in multiple individuals with hypertrophic cardiomyopathy (PMID: 16199542, 22112859, 23711808, 12820698, 12974739, 22455086, 27247418; 27532257). This variant segregated with disease in affected individuals (PMID: 15856146, 25935763, 17125710). This change is predicted to be deleterious by multiple in-silico algorithms and has not been observed in the gnomAD population variant database. Furthermore, this variant lies in a functionally important domain where other cardiomyopathy-associated missense variants have been described (PMID: 27532257). For these reasons, this variant c.2207T>C (p.Ile736Thr) variant in MYH7 is interpreted as pathogenic.

Blueprint Genetics
Classification: Pathogenic for MYH7-related disorders. Last evaluated: 2019-04-11. Review status: criteria provided, single submitter. Criteria: ACMG Guidelines, 2015. Collection method: clinical testing. Allele origin: germline. Affected: yes. Observed: 1 variant allele. Not counted in ClinVar's aggregate classification.

Center for Human Genetics, University of Leuven
Classification: Likely pathogenic for Hypertrophic cardiomyopathy. Last evaluated: 2018-10-31. Review status: criteria provided, single submitter. Criteria: ACMG Guidelines, 2015. Collection method: clinical testing. Allele origin: germline. Affected: yes. Not counted in ClinVar's aggregate classification.

Phosphorus, Inc.
Classification: Pathogenic for Hypertrophic cardiomyopathy 1. Last evaluated: 2017-08-01. Review status: criteria provided, single submitter. Criteria: ACMG Guidelines, 2015. Collection method: clinical testing. Allele origin: germline. Observed: 1 variant allele. Not counted in ClinVar's aggregate classification.

Agnes Ginges Centre for Molecular Cardiology, Centenary Institute
Classification: Pathogenic for Hypertrophic cardiomyopathy 1. Last evaluated: 2017-03-28. Review status: criteria provided, single submitter. Criteria: Agnes Ginges Centre for Molecular Cardiology criteria (2015). Collection method: research. Allele origin: germline. Inheritance: Autosomal dominant inheritance. Affected: yes. Not counted in ClinVar's aggregate classification.
Comment: This MYH7 Ile736Thr variant has been identified in multiple unrelated HCM individuals (see literature) and has been found to segregate in at least 2 families (Perrot A, et al., 2005; Laredo R, et al., 2007). The Ile736Thr variant occurs in the converter domain of the MYH7 which is generally associated with poorer outcomes in cardiomyopathy patients, however patients carrying this specific mutation were found to have less adverse events (GarcÃ­a-Giustiniani D, et al., 2015). We have identified this variant in two HCM index cases in our patient cohort. The variant is absent from the 1000 genomes project, as well as the Exome Aggregation Consortium dataset. Computational tools SIFT, PolyPhen-2 and MutationTaster predict the variant to be deleterious, however PolyPhen-HCM predicts this variant to be "benign". Based on multiple reports of the variant in HCM cases, strong segregation with disease, rarity in the general population and because missense MYH7 variants are a common cause of disease and rarely benign, we classify MYH7 Ile736Thr as "pathogenic".

Stanford Center for Inherited Cardiovascular Disease, Stanford University
Classification: Likely pathogenic. Last evaluated: 2012-01-31. Review status: criteria provided, single submitter. Criteria: ACMG Guidelines, 2015. Collection method: provider interpretation. Allele origin: germline. Not counted in ClinVar's aggregate classification.

KTest Genetics, KTest
Classification: Pathogenic for Dilated cardiomyopathy 1S. Review status: criteria provided, single submitter. Criteria: ACMG Guidelines, 2015. Collection method: clinical testing. Allele origin: germline. Affected: yes. Not counted in ClinVar's aggregate classification.

Institute of Human Genetics, University of Wuerzburg
Classification: Pathogenic for Hypertrophic cardiomyopathy 1. Review status: no assertion criteria provided. Collection method: clinical testing. Allele origin: unknown. Affected: yes. Observed: 1 variant allele. Not counted in ClinVar's aggregate classification.

Literature cited by the submitters: PubMed 16199542 (cited by 6 submitters); PubMed 20738943 (cited by 4 submitters); PubMed 17125710 (cited by 6 submitters); PubMed 16630449 (cited by 4 submitters); PubMed 12974739 (cited by 7 submitters); PubMed 15856146 (cited by 8 submitters); PubMed 27532257 (cited by 4 submitters); PubMed 29300372 (cited by 3 submitters); PubMed 12820698 (cited by 5 submitters); PubMed 15550524 (cited by Women's Health and Genetics/Laboratory Corporation of America, LabCorp); PubMed 17288815 (cited by Women's Health and Genetics/Laboratory Corporation of America, LabCorp); PubMed 18020371 (cited by Women's Health and Genetics/Laboratory Corporation of America, LabCorp); PubMed 22112859 (cited by Labcorp Genetics (formerly Invitae), Labcorp); PubMed 22455086 (cited by 4 submitters); PubMed 23711808 (cited by 3 submitters); PubMed 25935763 (cited by 3 submitters); PubMed 19651039 (cited by 4 submitters); PubMed 25346696 (cited by Labcorp Genetics (formerly Invitae), Labcorp); PubMed 21769673 (cited by 3 submitters); PubMed 27247418 (cited by Ambry Genetics and Phosphorus, Inc.); PubMed 24714796 (cited by Victorian Clinical Genetics Services, Murdoch Childrens Research Institute); PubMed 18414213 (cited by Phosphorus, Inc.); PubMed 19808356 (cited by Phosphorus, Inc.); PubMed 24793961 (cited by Phosphorus, Inc.); PubMed 25611685 (cited by Phosphorus, Inc.).